The following is an entry in ClinVar:

ClinVar aggregate classification (germline): Pathogenic (1 of 4 stars; one submission).

Conditions:
Neurofibromatosis, type 1 (NF1). Also called: Peripheral type neurofibromatosis; Neurofibromatosis, type I; VON RECKLINGHAUSEN DISEASE; NEUROFIBROMATOSIS, TYPE I, SOMATIC. Identifiers: Orphanet 636, MedGen C0027831, MONDO:0018975, OMIM 162200. Disease mechanism: loss of function.

Submission:

Labcorp Genetics (formerly Invitae), Labcorp
Classification: Pathogenic for Neurofibromatosis, type 1. Last evaluated: 2019-07-15. Review status: criteria provided, single submitter. Criteria: Invitae Variant Classification Sherloc (09022015). Collection method: clinical testing. Allele origin: germline.
Comment: This sequence change creates a premature translational stop signal (p.Lys1290Glnfs*24) in the NF1 gene. It is expected to result in an absent or disrupted protein product. This variant is not present in population databases (ExAC no frequency). This variant has not been reported in the literature in individuals with NF1-related conditions. Loss-of-function variants in NF1 are known to be pathogenic (PMID: 10712197, 23913538). For these reasons, this variant has been classified as Pathogenic.

Literature cited by the submitters: PubMed 10712197; PubMed 23913538.

NM_001042492.3(NF1):c.3866dup (p.Lys1290fs)

Gene: NF1 (neurofibromin 1; plus strand). Cytogenetic location: 17q11.2.
Variant type: Duplication.
Coding change: c.3866dup on transcript NM_001042492.3 (MANE Select); coding-DNA position 3866, one base duplicated (T; older notation c.3866dupT).
Protein change: p.Lys1290fs; shifts the reading frame from lysine 1290.
Molecular consequence: frameshift variant.
Genome position (GRCh38, 1-based): chr17:31,235,768, T duplicated; the last of 3 consecutive T bases (chr17:31,235,766-31,235,768); duplicating any one gives the same sequence. VCF-style (leftmost placement, unchanged base first): chr17-31235765-G-GT. GRCh37 (hg19) VCF-style: chr17-29562783-G-GT.
Other names: c.3866dup, p.Lys1290Glnfs (NM_000267.4); short protein forms K1290fs.
Identifiers: ClinVar variation 943914 (VCV000943914.2), dbSNP rs2067189705, ClinGen allele CA1139665347.